The following is an entry in ClinVar:

NM_001374353.1(GLI2):c.2572G>A (p.Gly858Ser)

Gene: GLI2 (GLI family zinc finger 2; plus strand). Cytogenetic location: 2q14.2.
Variant type: single nucleotide variant.
Coding change: c.2572G>A on transcript NM_001374353.1 (MANE Select); coding-DNA position 2572, G replaced by A.
Protein change: p.Gly858Ser; replaces glycine 858 with serine.
Molecular consequence: missense variant.
Genome position (GRCh38, 1-based): chr2:120,988,537, G>A. VCF-style: chr2-120988537-G-A. GRCh37 (hg19) VCF-style: chr2-121746113-G-A.
Other names: c.2623G>A, p.Gly875Ser (NM_001371271.1, NM_005270.5); c.2197G>A, p.Gly733Ser (NM_001374354.1); c.2623G>A (NM_005270.4); short protein forms G733S, G858S, G875S.
Identifiers: ClinVar variation 3752728 (VCV003752728.3).
Genomic context (GRCh38, chr2:120,988,537, plus strand): 5'-TACGACCCCATCTCCACGGACGCGTCGCGGCGCTCGAGCGAGGCCAGCCAGTGCAGCGGC[G>A]GCTCCGGGCTGCTCAACCTCACGCCGGCGCAGCAGTACAGCCTGCGGGCCAAGTACGCGG-3'
Protein context (NP_001361282.1, residues 848-868): RSSEASQCSG[Gly858Ser]SGLLNLTPAQ

ClinVar aggregate classification (germline): Uncertain significance. Review status: criteria provided, multiple submitters, no conflicts (2 of 4 stars). 3 submissions from 3 submitters: Uncertain significance (3). Last evaluated 2025-07-31.

Conditions:
GLI2-related disorder. Also called: GLI2-related condition; GLI2-related disorders.
Holoprosencephaly 9 (HPE9). Also called: HOLOPROSENCEPHALY WITH MICROPHTHALMIA AND FIRST BRANCHIAL ARCH ANOMALIES; PITUITARY ANOMALIES WITH HOLOPROSENCEPHALY-LIKE FEATURES. Identifiers: Orphanet 2162, MedGen C1835819, MONDO:0012563, OMIM 610829.
Postaxial polydactyly-anterior pituitary anomalies-facial dysmorphism syndrome. Also called: Culler-Jones syndrome. Identifiers: Orphanet 420584, MedGen C4014479, MONDO:0014369, OMIM 615849.
Inborn genetic diseases. Identifiers: MedGen C0950123, MeSH D030342.

gnomAD v4.1: 3 of 1,503,716 alleles (0.0002%); highest among the groups gnomAD compares: East Asian, 0.0027%; no homozygotes.

Submissions (3):

PreventionGenetics, part of Exact Sciences
Classification: Uncertain significance for GLI2-related condition. Last evaluated: 2025-07-31. Review status: criteria provided, single submitter. Criteria: ACMG Guidelines, 2015. Collection method: clinical testing. Allele origin: germline.
Comment: The GLI2 c.2623G>A variant is predicted to result in the amino acid substitution p.Gly875Ser. To our knowledge, this variant has not been reported in the literature. This variant has been reported in 1 heterozygous individual within the ‘other’ subpopulation in gnomAD. At this time, the clinical significance of this variant is uncertain due to the absence of conclusive functional and genetic evidence.

Ambry Genetics
Classification: Uncertain significance for Inborn genetic diseases. Last evaluated: 2025-04-10. Review status: criteria provided, single submitter. Criteria: Ambry Variant Classification Scheme 2023. Collection method: clinical testing. Allele origin: germline.

Labcorp Genetics (formerly Invitae), Labcorp
Classification: Uncertain significance for Postaxial polydactyly-anterior pituitary anomalies-facial dysmorphism syndrome; Holoprosencephaly 9. Last evaluated: 2024-07-22. Review status: criteria provided, single submitter. Criteria: Invitae Variant Classification Sherloc (09022015). Collection method: clinical testing. Allele origin: germline.
Comment: This sequence change replaces glycine, which is neutral and non-polar, with serine, which is neutral and polar, at codon 875 of the GLI2 protein (p.Gly875Ser). The frequency data for this variant in the population databases is considered unreliable, as metrics indicate poor data quality at this position in the gnomAD database. This variant has not been reported in the literature in individuals affected with GLI2-related conditions. Advanced modeling of protein sequence and biophysical properties (such as structural, functional, and spatial information, amino acid conservation, physicochemical variation, residue mobility, and thermodynamic stability) performed at Invitae indicates that this missense variant is not expected to disrupt GLI2 protein function with a negative predictive value of 80%. In summary, the available evidence is currently insufficient to determine the role of this variant in disease. Therefore, it has been classified as a Variant of Uncertain Significance.